The following is an entry in ClinVar:

NM_002335.4(LRP5):c.2057A>G (p.Asn686Ser)

Gene: LRP5 (LDL receptor related protein 5; plus strand). Cytogenetic location: 11q13.2.
Variant type: single nucleotide variant.
Coding change: c.2057A>G on transcript NM_002335.4 (MANE Select); coding-DNA position 2057, A replaced by G.
Protein change: p.Asn686Ser; replaces asparagine 686 with serine.
Molecular consequence: missense variant.
Genome position (GRCh38, 1-based): chr11:68,406,779, A>G. VCF-style: chr11-68406779-A-G. GRCh37 (hg19) VCF-style: chr11-68174247-A-G.
Other names: c.2057A>G (NM_002335.2); c.314A>G, p.Asn105Ser (NM_001291902.2); short protein forms N105S, N686S.
Identifiers: ClinVar variation 1002132 (VCV001002132.12), dbSNP rs746188108, ClinGen allele CA6149517.

ClinVar aggregate classification (germline): Uncertain significance. Review status: criteria provided, multiple submitters, no conflicts (2 of 4 stars). 2 submissions from 2 submitters: Uncertain significance (2). Last evaluated 2025-01-26.

Conditions:
Inborn genetic diseases. Identifiers: MedGen C0950123, MeSH D030342.

Allele frequency attached by ClinVar (database versions not stated): gnomAD exomes below 0.00001 and 0.00001; ExAC 0.00001; gnomAD 0.00002; TOPMed 0.00004.
gnomAD v4.1: 10 of 1,613,988 alleles (0.00062%); highest among the groups gnomAD compares: African/African-American, 0.0053%; no homozygotes.

Submissions (2):

Labcorp Genetics (formerly Invitae), Labcorp
Classification: Uncertain significance. Last evaluated: 2025-01-26. Review status: criteria provided, single submitter. Criteria: Invitae Variant Classification Sherloc (09022015). Collection method: clinical testing. Allele origin: germline.
Comment: This sequence change replaces asparagine, which is neutral and polar, with serine, which is neutral and polar, at codon 686 of the LRP5 protein (p.Asn686Ser). The frequency data for this variant in the population databases is considered unreliable, as metrics indicate poor data quality at this position in the gnomAD database. This variant has not been reported in the literature in individuals affected with LRP5-related conditions. ClinVar contains an entry for this variant (Variation ID: 1002132). Invitae Evidence Modeling of protein sequence and biophysical properties (such as structural, functional, and spatial information, amino acid conservation, physicochemical variation, residue mobility, and thermodynamic stability) indicates that this missense variant is not expected to disrupt LRP5 protein function with a negative predictive value of 95%. In summary, the available evidence is currently insufficient to determine the role of this variant in disease. Therefore, it has been classified as a Variant of Uncertain Significance.

Ambry Genetics
Classification: Uncertain significance for Inborn genetic diseases. Last evaluated: 2021-08-02. Review status: criteria provided, single submitter. Criteria: Ambry Variant Classification Scheme 2023. Collection method: clinical testing. Allele origin: germline.